The following is an entry in ClinVar:

ClinVar aggregate classification (germline): Uncertain significance (1 of 4 stars; one submission).

Conditions:
Cardiovascular phenotype. Identifiers: MedGen CN230736.

Submission:

Ambry Genetics
Classification: Uncertain significance for Cardiovascular phenotype. Last evaluated: 2022-10-27. Review status: criteria provided, single submitter. Criteria: Ambry Variant Classification Scheme 2023. Collection method: clinical testing. Allele origin: germline.
Comment: The p.S128C variant (also known as c.383C>G), located in coding exon 4 of the MYOZ2 gene, results from a C to G substitution at nucleotide position 383. The serine at codon 128 is replaced by cysteine, an amino acid with dissimilar properties. This amino acid position is conserved. In addition, this alteration is predicted to be tolerated by in silico analysis. Since supporting evidence is limited at this time, the clinical significance of this alteration remains unclear.

NM_016599.5(MYOZ2):c.383C>G (p.Ser128Cys)

Gene: MYOZ2 (myozenin 2; plus strand). Cytogenetic location: 4q26.
Variant type: single nucleotide variant.
Coding change: c.383C>G on transcript NM_016599.5 (MANE Select); coding-DNA position 383, C replaced by G.
Protein change: p.Ser128Cys; replaces serine 128 with cysteine.
Molecular consequence: missense variant.
Genome position (GRCh38, 1-based): chr4:119,164,217, C>G. VCF-style: chr4-119164217-C-G. GRCh37 (hg19) VCF-style: chr4-120085372-C-G.
Other names: short protein forms S128C.
Identifiers: ClinVar variation 1735411 (VCV001735411.2), dbSNP rs1051918078, ClinGen allele CA358204088.
Genomic context (GRCh38, chr4:119,164,217, plus strand): 5'-GGTTAGTAACTCTCGGGCACAGTATTTACTTACTTTTGCTATATTTTTCCAAAGGATATT[C>G]TGGACCACTGAAGGAAATTCCTCCTGAAAAATTCAACACCACAGCTGTCCCTAAGTACTA-3'
Protein context (NP_057683.1, residues 118-138): PNPDNIAPGY[Ser128Cys]GPLKEIPPEK